The following is an entry in ClinVar:

ClinVar aggregate classification (germline): Uncertain significance. Review status: criteria provided, multiple submitters, no conflicts (2 of 4 stars). 3 submissions from 3 submitters: Uncertain significance (3). Last evaluated 2025-12-08.

Conditions:
TMEM127-related disorder. Also called: TMEM127-related condition.
Hereditary pheochromocytoma and paraganglioma. Also called: Hereditary pheochromocytoma-paraganglioma; Hereditary paragangliomas and pheochromocytomas; Hereditary Paraganglioma-Pheochromocytoma Syndromes. Identifiers: Orphanet 29072, MedGen C4274332, MONDO:0017366.
Hereditary cancer-predisposing syndrome. Also called: Neoplastic Syndromes, Hereditary; Tumor predisposition; Hereditary neoplastic syndrome; Hereditary Cancer Syndrome. Identifiers: Orphanet 140162, MedGen C0027672, MeSH D009386, MONDO:0015356.

Allele frequency attached by ClinVar (database versions not stated): gnomAD exomes below 0.00001; ExAC 0.00001; TOPMed 0.00001.
gnomAD v4.1: 7 of 1,614,068 alleles (0.00043%); highest among the groups gnomAD compares: Admixed American, 0.0017%; no homozygotes.

Submissions (3):

Labcorp Genetics (formerly Invitae), Labcorp
Classification: Uncertain significance for Hereditary pheochromocytoma and paraganglioma. Last evaluated: 2025-12-08. Review status: criteria provided, single submitter. Criteria: Invitae Variant Classification Sherloc (09022015). Collection method: clinical testing. Allele origin: germline.
Comment: This sequence change replaces arginine, which is basic and polar, with cysteine, which is neutral and slightly polar, at codon 128 of the TMEM127 protein (p.Arg128Cys). This variant is present in population databases (rs759261535, gnomAD 0.003%). This variant has not been reported in the literature in individuals affected with TMEM127-related conditions. ClinVar contains an entry for this variant (Variation ID: 639809). An algorithm developed to predict the effect of missense changes on protein structure and function (PolyPhen-2) suggests that this variant is likely to be disruptive. In summary, the available evidence is currently insufficient to determine the role of this variant in disease. Therefore, it has been classified as a Variant of Uncertain Significance.

PreventionGenetics, part of Exact Sciences
Classification: Uncertain significance for TMEM127-related condition. Last evaluated: 2025-07-23. Review status: criteria provided, single submitter. Criteria: ACMG Guidelines, 2015. Collection method: clinical testing. Allele origin: germline.
Comment: The TMEM127 c.382C>T variant is predicted to result in the amino acid substitution p.Arg128Cys. To our knowledge, this variant has not been reported in the literature. This variant is reported in 0.0029% of alleles in individuals of Latino descent in gnomAD and is interpreted as uncertain in ClinVar (Variation ID: 639809). At this time, the clinical significance of this variant is uncertain due to the absence of conclusive functional and genetic evidence.

Ambry Genetics
Classification: Uncertain significance for Hereditary cancer-predisposing syndrome. Last evaluated: 2025-05-05. Review status: criteria provided, single submitter. Criteria: Ambry Variant Classification Scheme 2023. Collection method: clinical testing. Allele origin: germline.
Comment: The p.R128C variant (also known as c.382C>T), located in coding exon 2 of the TMEM127 gene, results from a C to T substitution at nucleotide position 382. The arginine at codon 128 is replaced by cysteine, an amino acid with highly dissimilar properties. This amino acid position is highly conserved in available vertebrate species. In addition, the in silico prediction for this alteration is inconclusive. Since supporting evidence is limited at this time, the clinical significance of this alteration remains unclear.

NM_017849.4(TMEM127):c.382C>T (p.Arg128Cys)

Gene: TMEM127 (transmembrane protein 127; minus strand). Cytogenetic location: 2q11.2.
Variant type: single nucleotide variant.
Coding change: c.382C>T on transcript NM_017849.4 (MANE Select); coding-DNA position 382, C replaced by T.
Protein change: p.Arg128Cys; replaces arginine 128 with cysteine.
Molecular consequence: missense variant.
Genome position (GRCh38, 1-based): chr2:96,254,860, G>A on the plus strand (C>T on the coding strand, the complement: TMEM127 is on the minus strand). VCF-style: chr2-96254860-G-A. GRCh37 (hg19) VCF-style: chr2-96920598-G-A.
Other names: c.382C>T, p.Arg128Cys (NM_001193304.3); short protein forms R128C.
Identifiers: ClinVar variation 639809 (VCV000639809.14), dbSNP rs759261535, ClinGen allele CA1777340.